The following is an entry in ClinVar:

ClinVar aggregate classification (germline): Likely pathogenic. Review status: criteria provided, single submitter (1 of 4 stars). 2 submissions from 2 submitters: Likely pathogenic (1). 1 of the submissions does not count toward it. Last evaluated 2025-09-18.

Conditions:
TTC21B-related disorder. Also called: TTC21B-related disorders; TTC21B-related condition.

gnomAD v4.1: 8 of 1,613,086 alleles (0.0005%); highest among the groups gnomAD compares: Non-Finnish European, 0.00068%; no homozygotes.

Submissions (2):

GeneDx
Classification: Likely pathogenic. Last evaluated: 2025-09-18. Review status: criteria provided, single submitter. Criteria: GeneDx Variant Classification Process June 2021. Collection method: clinical testing. Allele origin: germline. Affected: yes.
Comment: Reported previously in a patient with failure to thrive, hypertension, and chronic renal failure who also harbored a second variant (phase unknown) (PMID: 31738409); Not observed at significant frequency in large population cohorts (gnomAD); Canonical splice site variant predicted to result in a null allele in a gene for which loss of function is a known mechanism of disease; This variant is associated with the following publications: (PMID: 31738409)

PreventionGenetics, part of Exact Sciences
Classification: Likely pathogenic for TTC21B-related condition. Last evaluated: 2024-03-26. Review status: no assertion criteria provided. Collection method: clinical testing. Allele origin: germline. Not counted in ClinVar's aggregate classification.
Comment: The TTC21B c.1516+2T>C variant is predicted to disrupt the GT donor site and interfere with normal splicing. To our knowledge, this variant has not been reported in the literature. This variant is reported in 0.00088% of alleles in individuals of European (Non-Finnish) descent in gnomAD. Variants that disrupt the consensus splice donor site in TTC21B are expected to be pathogenic. This variant is interpreted as likely pathogenic.

NM_024753.5(TTC21B):c.1516+2T>C

Gene: TTC21B (tetratricopeptide repeat domain 21B; minus strand). Cytogenetic location: 2q24.3.
Variant type: single nucleotide variant.
Coding change: c.1516+2T>C on transcript NM_024753.5 (MANE Select); the canonical splice donor site of the intron after coding-DNA position 1516, T replaced by C.
Molecular consequence: splice donor variant.
Genome position (GRCh38, 1-based): chr2:165,924,547, A>G on the plus strand (T>C on the coding strand, the complement: TTC21B is on the minus strand). VCF-style: chr2-165924547-A-G. GRCh37 (hg19) VCF-style: chr2-166781057-A-G.
Identifiers: ClinVar variation 3356910 (VCV003356910.2).